The following is an entry in ClinVar:

NM_005529.7(HSPG2):c.10589G>A (p.Arg3530Gln)

Gene: HSPG2 (heparan sulfate proteoglycan 2; minus strand). Cytogenetic location: 1p36.12.
Variant type: single nucleotide variant.
Coding change: c.10589G>A on transcript NM_005529.7 (MANE Select); coding-DNA position 10589, G replaced by A.
Protein change: p.Arg3530Gln; replaces arginine 3530 with glutamine.
Molecular consequence: missense variant.
Genome position (GRCh38, 1-based): chr1:21,834,810, C>T on the plus strand (G>A on the coding strand, the complement: HSPG2 is on the minus strand). VCF-style: chr1-21834810-C-T. GRCh37 (hg19) VCF-style: chr1-22161303-C-T.
Other names: c.10592G>A, p.Arg3531Gln (NM_001291860.2); short protein forms R3530Q, R3531Q.
Identifiers: ClinVar variation 295734 (VCV000295734.10), dbSNP rs200062985, ClinGen allele CA670081.

ClinVar aggregate classification (germline): Uncertain significance. Review status: criteria provided, multiple submitters, no conflicts (2 of 4 stars). 5 submissions from 4 submitters: Uncertain significance (4). 1 of the submissions does not count toward it. Last evaluated 2024-06-17.

Conditions:
Microcephaly. Also called: Microcephaly (disease). Identifiers: MedGen C4551563, MONDO:0001149, HP:0000252.
Schwartz-Jampel syndrome. Also called: Myotonic myopathy dwarfism chondrodystrophy and ocular and facial abnormalities. Identifiers: Orphanet 800, MedGen C0036391, MONDO:0009717.
Inborn genetic diseases. Identifiers: MedGen C0950123, MeSH D030342.
Lethal Kniest-like syndrome (DDSH). Also called: Dyssegmental Dysplasia. Identifiers: Orphanet 1865, MedGen C1857100, MONDO:0009140, OMIM 224410.

Allele frequency attached by ClinVar (database versions not stated): gnomAD 0.00007; gnomAD exomes 0.00008 and 0.00014; TOPMed 0.00008; ExAC 0.00010.
gnomAD v4.1: 124 of 1,614,234 alleles (0.0077%); highest among the groups gnomAD compares: South Asian, 0.026%; no homozygotes.

Submissions (5):

Labcorp Genetics (formerly Invitae), Labcorp
Classification: Uncertain significance. Last evaluated: 2024-06-17. Review status: criteria provided, single submitter. Criteria: Invitae Variant Classification Sherloc (09022015). Collection method: clinical testing. Allele origin: germline.
Comment: This sequence change replaces arginine, which is basic and polar, with glutamine, which is neutral and polar, at codon 3530 of the HSPG2 protein (p.Arg3530Gln). This variant is present in population databases (rs200062985, gnomAD 0.1%). This variant has not been reported in the literature in individuals affected with HSPG2-related conditions. ClinVar contains an entry for this variant (Variation ID: 295734). An algorithm developed to predict the effect of missense changes on protein structure and function (PolyPhen-2) suggests that this variant is likely to be disruptive. In summary, the available evidence is currently insufficient to determine the role of this variant in disease. Therefore, it has been classified as a Variant of Uncertain Significance.

Ambry Genetics
Classification: Uncertain significance for Inborn genetic diseases. Last evaluated: 2022-03-21. Review status: criteria provided, single submitter. Criteria: Ambry Variant Classification Scheme 2023. Collection method: clinical testing. Allele origin: germline.

Illumina Laboratory Services, Illumina
Classification: Uncertain significance for Lethal Kniest-like syndrome. Last evaluated: 2018-01-13. Review status: criteria provided, single submitter. Criteria: ICSL Variant Classification Criteria 13 December 2019. Collection method: clinical testing. Allele origin: germline.

Illumina Laboratory Services, Illumina
Classification: Uncertain significance for Schwartz-Jampel syndrome type 1. Last evaluated: 2018-01-13. Review status: criteria provided, single submitter. Criteria: ICSL Variant Classification Criteria 13 December 2019. Collection method: clinical testing. Allele origin: germline.

Department of Pediatrics, Samsung Medical Center, Samsung Medical Center
Classification: Uncertain significance for Microcephaly. Review status: no assertion criteria provided. Criteria: ACMG Guidelines, 2015. Collection method: research. Allele origin: maternal. Affected: yes. Not counted in ClinVar's aggregate classification.